The following is an entry in ClinVar:

NM_000179.3(MSH6):c.1263T>C (p.Phe421=)

Gene: MSH6 (mutS homolog 6; plus strand). Cytogenetic location: 2p16.3.
Variant type: single nucleotide variant.
Coding change: c.1263T>C on transcript NM_000179.3 (MANE Select); coding-DNA position 1263, T replaced by C.
Protein change: p.Phe421=; no amino-acid change (phenylalanine 421 retained).
Molecular consequence: synonymous variant.
Genome position (GRCh38, 1-based): chr2:47,799,246, T>C. VCF-style: chr2-47799246-T-C. GRCh37 (hg19) VCF-style: chr2-48026385-T-C.
Other names: c.873T>C, p.Phe291= (NM_001281492.2); c.357T>C, p.Phe119= (NM_001281493.2, NM_001281494.2).
Identifiers: ClinVar variation 1623940 (VCV001623940.9), dbSNP rs1472260883, ClinGen allele CA426120882.

ClinVar aggregate classification (germline): Benign/Likely benign. Review status: criteria provided, multiple submitters, no conflicts (2 of 4 stars). 2 submissions from 2 submitters: Benign (1); Likely benign (1). Last evaluated 2024-12-23.

Conditions:
Hereditary nonpolyposis colorectal neoplasms. Identifiers: MedGen C0009405, MeSH D003123.
Lynch syndrome 5 (LYNCH5). Also called: Colorectal cancer, hereditary nonpolyposis, type 5; Hereditary non-polyposis colorectal cancer, type 5. Identifiers: Orphanet 144, MedGen C1833477, MONDO:0013710, OMIM 614350. Disease mechanism: loss of function.

Allele frequency attached by ClinVar (database versions not stated): gnomAD exomes below 0.00001.
gnomAD v4.1: 1 of 1,614,154 alleles (0.000062%); highest among the groups gnomAD compares: East Asian, 0.0022%; no homozygotes.

Submissions (2):

Myriad Genetics, Inc.
Classification: Benign for Lynch syndrome 5. Last evaluated: 2024-12-23. Review status: criteria provided, single submitter. Criteria: Myriad Autosomal Dominant, Autosomal Recessive and X-Linked Classification Criteria (2023). Collection method: clinical testing. Allele origin: unknown.
Comment: This variant is considered benign. This variant is a silent/synonymous amino acid change and it is not expected to impact splicing.

Labcorp Genetics (formerly Invitae), Labcorp
Classification: Likely benign for Hereditary nonpolyposis colorectal neoplasms. Last evaluated: 2021-06-20. Review status: criteria provided, single submitter. Criteria: Invitae Variant Classification Sherloc (09022015). Collection method: clinical testing. Allele origin: germline.